The following is an entry in ClinVar:

NM_173076.3(ABCA12):c.4914C>T (p.Leu1638=)

Gene: ABCA12 (ATP binding cassette subfamily A member 12; minus strand). Cytogenetic location: 2q35.
Variant type: single nucleotide variant.
Coding change: c.4914C>T on transcript NM_173076.3 (MANE Select); coding-DNA position 4914, C replaced by T.
Protein change: p.Leu1638=; no amino-acid change (leucine 1638 retained).
Molecular consequence: synonymous variant. On other transcripts: non-coding transcript variant (1).
Genome position (GRCh38, 1-based): chr2:214,978,867, G>A on the plus strand (C>T on the coding strand, the complement: ABCA12 is on the minus strand). VCF-style: chr2-214978867-G-A. GRCh37 (hg19) VCF-style: chr2-215843591-G-A.
Other names: c.3960C>T, p.Leu1320= (NM_015657.4).
Identifiers: ClinVar variation 751983 (VCV000751983.9), dbSNP rs762663171, ClinGen allele CA2091353.

ClinVar aggregate classification (germline): Likely benign. Review status: criteria provided, single submitter (1 of 4 stars). 2 submissions from 2 submitters: Likely benign (1). 1 of the submissions does not count toward it. Last evaluated 2025-12-13.

Conditions:
ABCA12-related disorder. Also called: ABCA12-related condition.

Allele frequency attached by ClinVar (database versions not stated): gnomAD exomes 0.00002; ExAC 0.00003; gnomAD 0.00006 and 0.00007; TOPMed 0.00006.
gnomAD v4.1: 47 of 1,613,896 alleles (0.0029%); highest among the groups gnomAD compares: East Asian, 0.022%; no homozygotes.

Submissions (2):

Labcorp Genetics (formerly Invitae), Labcorp
Classification: Likely benign. Last evaluated: 2025-12-13. Review status: criteria provided, single submitter. Criteria: Invitae Variant Classification Sherloc (09022015). Collection method: clinical testing. Allele origin: germline.

PreventionGenetics, part of Exact Sciences
Classification: Likely benign for ABCA12-related condition. Last evaluated: 2023-01-04. Review status: no assertion criteria provided. Collection method: clinical testing. Allele origin: germline. Not counted in ClinVar's aggregate classification.
Comment: This variant is classified as likely benign based on ACMG/AMP sequence variant interpretation guidelines (Richards et al. 2015 PMID: 25741868, with internal and published modifications).